The following is an entry in ClinVar:

ClinVar aggregate classification (germline): Pathogenic (1 of 4 stars; one submission).

Submission:

Dasa
Classification: Pathogenic. Last evaluated: 2025-12-13. Review status: criteria provided, single submitter. Criteria: DASA Assertion Criteria. Collection method: clinical testing. Allele origin: germline.
Comment: NM_002734.5(PRKAR1A):c.708+1G>A affects a canonical splice site and is predicted to disrupt normal RNA splicing. Loss of function is an established disease mechanism for PRKAR1A (PMID: 24170103; PMID: 26354069). Also, this variant is rare in population databases. Based on the currently available evidence, this variant is classified as pathogenic.

Literature cited by the submitters: PubMed 24170103; PubMed 26354069.

NM_002734.5(PRKAR1A):c.708+1G>A

Gene: PRKAR1A (protein kinase cAMP-dependent type I regulatory subunit alpha; plus strand). Cytogenetic location: 17q24.2.
Variant type: single nucleotide variant.
Coding change: c.708+1G>A on transcript NM_002734.5 (MANE Select); the canonical splice donor site of the intron after coding-DNA position 708, G replaced by A.
Molecular consequence: splice donor variant.
Genome position (GRCh38, 1-based): chr17:68,525,913, G>A. VCF-style: chr17-68525913-G-A. GRCh37 (hg19) VCF-style: chr17-66522054-G-A.
Other names: c.708+1G>A (NM_001278433.2, NM_001369389.1, NM_212471.3 and 4 more transcripts).
Identifiers: ClinVar variation 4856970 (VCV004856970.2).